The following is an entry in ClinVar:

ClinVar aggregate classification (germline): Uncertain significance (1 of 4 stars; one submission).

Allele frequency attached by ClinVar (database versions not stated): gnomAD exomes below 0.00001.
gnomAD v4.1: 1 of 1,611,816 alleles (0.000062%); highest among the groups gnomAD compares: Non-Finnish European, 0.000085%; no homozygotes.

Submission:

Labcorp Genetics (formerly Invitae), Labcorp
Classification: Uncertain significance. Last evaluated: 2021-11-18. Review status: criteria provided, single submitter. Criteria: Invitae Variant Classification Sherloc (09022015). Collection method: clinical testing. Allele origin: germline.
Comment: In summary, the available evidence is currently insufficient to determine the role of this variant in disease. Therefore, it has been classified as a Variant of Uncertain Significance. Experimental studies and prediction algorithms are not available or were not evaluated, and the functional significance of this variant is currently unknown. This variant has not been reported in the literature in individuals affected with LTBP4-related conditions. This variant is not present in population databases (gnomAD no frequency). This sequence change replaces arginine with cysteine at codon 1433 of the LTBP4 protein (p.Arg1433Cys). The arginine residue is weakly conserved and there is a large physicochemical difference between arginine and cysteine.

NM_001042545.2(LTBP4):c.4207C>T (p.Arg1403Cys)

Gene: LTBP4 (latent transforming growth factor beta binding protein 4; plus strand). Cytogenetic location: 19q13.2.
Variant type: single nucleotide variant.
Coding change: c.4207C>T on transcript NM_001042545.2 (MANE Select); coding-DNA position 4207, C replaced by T.
Protein change: p.Arg1403Cys; replaces arginine 1403 with cysteine.
Molecular consequence: missense variant.
Genome position (GRCh38, 1-based): chr19:40,627,196, C>T. VCF-style: chr19-40627196-C-T. GRCh37 (hg19) VCF-style: chr19-41133101-C-T.
Other names: c.4408C>T, p.Arg1470Cys (NM_001042544.1); c.4297C>T, p.Arg1433Cys (NM_003573.2); short protein forms R1403C, R1470C, R1433C.
Identifiers: ClinVar variation 1430749 (VCV001430749.6), dbSNP rs2146052688, ClinGen allele CA405911277.